The following is an entry in ClinVar:

ClinVar aggregate classification (germline): Likely pathogenic (1 of 4 stars; one submission).

Conditions:
Dilated cardiomyopathy 1G (CMD1G). Identifiers: Orphanet 154, MedGen C1858763, MONDO:0011400, OMIM 604145.
Autosomal recessive limb-girdle muscular dystrophy type 2J (LGMDR10). Also called: Limb-girdle muscular dystrophy, type 2J; MUSCULAR DYSTROPHY, LIMB-GIRDLE, AUTOSOMAL RECESSIVE 10. Identifiers: Orphanet 140922, MedGen C1837342, MONDO:0012127, OMIM 608807.

Submission:

Labcorp Genetics (formerly Invitae), Labcorp
Classification: Likely pathogenic for Dilated cardiomyopathy 1G; Autosomal recessive limb-girdle muscular dystrophy type 2J. Last evaluated: 2025-02-17. Review status: criteria provided, single submitter. Criteria: Invitae Variant Classification Sherloc (09022015). Collection method: clinical testing. Allele origin: germline.
Comment: This sequence change creates a premature translational stop signal (p.Tyr24349Leufs*2) in the TTN gene. While this is not anticipated to result in nonsense mediated decay, it is expected to create a truncated TTN protein. This variant is not present in population databases (gnomAD no frequency). This variant has not been reported in the literature in individuals affected with TTN-related conditions. This variant is located in the A band of TTN (PMID: 25589632). Truncating variants in this region are significantly overrepresented in patients affected with dilated cardiomyopathy (PMID: 25589632). Truncating variants in this region have also been reported in individuals affected with autosomal recessive centronuclear myopathy (PMID: 23975875). In summary, the currently available evidence indicates that the variant is pathogenic, but additional data are needed to prove that conclusively. Therefore, this variant has been classified as Likely Pathogenic.

Literature cited by the submitters: PubMed 25589632; PubMed 23975875.

NM_001267550.2(TTN):c.73043_73044insA (p.Tyr24349fs)

Genes: TTN-AS1 (TTN antisense RNA 1; plus strand), TTN (titin; minus strand). Cytogenetic location: 2q31.2.
Variant type: Insertion.
Coding change: c.73043_73044insA on transcript NM_001267550.2 (MANE Select); coding-DNA positions 73043 to 73044, A inserted.
Protein change: p.Tyr24349fs; shifts the reading frame from tyrosine 24349.
Molecular consequence: frameshift variant.
Genome position: GRCh38 VCF-style: chr2-178573088-G-GT. GRCh37 (hg19) VCF-style: chr2-179437815-G-GT.
Other names: c.68120_68121insA, p.Tyr22708fs (NM_001256850.1); c.45848_45849insA, p.Tyr15284fs (NM_003319.4); c.65339_65340insA, p.Tyr21781fs (NM_133378.4); c.46223_46224insA, p.Tyr15409fs (NM_133432.3); c.46424_46425insA, p.Tyr15476fs (NM_133437.4); short protein forms Y24349fs, Y15284fs, Y15409fs, Y15476fs, Y21781fs, Y22708fs.
Identifiers: ClinVar variation 4784198 (VCV004784198.1).
Genomic context (GRCh38, chr2:178,573,088, plus strand): 5'-ATCTTCCTCTGGCAGGGCAATCTCAACCATATACCCAGTGATTTCTGAACCACCATCATA[G>GT]ATAGGTTTATTCCAAGCGATTGAAATGGATGATCTGCTTGTATCCAGAACACGTGGGTTA-3'